The following is an entry in ClinVar:

NM_000257.4(MYH7):c.2640G>C (p.Leu880=)

Genes: MYH7 (myosin heavy chain 7; minus strand), LOC126861898 (BRD4-independent group 4 enhancer GRCh37_chr14:23893609-23894808; plus strand). Cytogenetic location: 14q11.2.
Variant type: single nucleotide variant.
Coding change: c.2640G>C on transcript NM_000257.4 (MANE Select); coding-DNA position 2640, G replaced by C.
Protein change: p.Leu880=; no amino-acid change (leucine 880 retained).
Molecular consequence: synonymous variant.
Genome position (GRCh38, 1-based): chr14:23,424,808, C>G on the plus strand (G>C on the coding strand, the complement: MYH7 is on the minus strand). VCF-style: chr14-23424808-C-G. GRCh37 (hg19) VCF-style: chr14-23894017-C-G.
Identifiers: ClinVar variation 922471 (VCV000922471.16), dbSNP rs753565218, ClinGen allele CA033569.

ClinVar aggregate classification (germline): Likely benign. Review status: criteria provided, multiple submitters, no conflicts (2 of 4 stars). 5 submissions from 5 submitters: Likely benign (5). Last evaluated 2026-01-05.

Conditions:
Cardiovascular phenotype. Identifiers: MedGen CN230736.
Cardiomyopathy (CMYO). Also called: Cardiomyopathies. Identifiers: Orphanet 167848, MedGen C0878544, MONDO:0004994, HP:0001638. Inheritance: Various modes of inheritance.
Hypertrophic cardiomyopathy. Also called: HYPERTROPHIC MYOCARDIOPATHY. Identifiers: Orphanet 217569, MedGen C0007194, MeSH D002312, MONDO:0005045, HP:0001639.

Allele frequency attached by ClinVar (database versions not stated): TOPMed 0.00001; ExAC 0.00002; gnomAD exomes 0.00002 and 0.00001.
gnomAD v4.1: 22 of 1,614,186 alleles (0.0014%); highest among the groups gnomAD compares: Non-Finnish European, 0.0018%; no homozygotes.

Submissions (5):

Labcorp Genetics (formerly Invitae), Labcorp
Classification: Likely benign for Hypertrophic cardiomyopathy. Last evaluated: 2026-01-05. Review status: criteria provided, single submitter. Criteria: Invitae Variant Classification Sherloc (09022015). Collection method: clinical testing. Allele origin: germline.

Ambry Genetics
Classification: Likely benign for Cardiovascular phenotype. Last evaluated: 2024-11-03. Review status: criteria provided, single submitter. Criteria: Ambry Variant Classification Scheme 2023. Collection method: clinical testing. Allele origin: germline.

All of Us Research Program, National Institutes of Health
Classification: Likely benign for Cardiomyopathy. Last evaluated: 2024-05-30. Review status: criteria provided, single submitter. Criteria: ACMG Guidelines, 2015. Collection method: clinical testing. Allele origin: germline. Inheritance: Autosomal dominant inheritance. Observed: 2 variant alleles, 2 heterozygotes.
Comment: This study involves interpretation of variants in research participants for the purpose of population health screening. Participant phenotype was not available at the time of variant classification. Additional details can be found in publication PMID: 35346344, PMCID: PMC8962531

Blueprint Genetics
Classification: Likely benign. Last evaluated: 2024-03-08. Review status: criteria provided, single submitter. Criteria: ACMG Guidelines, 2015. Collection method: clinical testing. Allele origin: germline.

Color Diagnostics, LLC DBA Color Health
Classification: Likely benign for Cardiomyopathy. Last evaluated: 2023-12-05. Review status: criteria provided, single submitter. Criteria: ACMG Guidelines, 2015. Collection method: clinical testing. Allele origin: germline.